The following is an entry in ClinVar:

NM_001037333.3(CYFIP2):c.3542A>G (p.His1181Arg)

Genes: CYFIP2 (cytoplasmic FMR1 interacting protein 2; plus strand), NIPAL4-DT (NIPAL4 divergent transcript; minus strand), LOC126807569 (P300/CBP strongly-dependent group 1 enhancer GRCh37_chr5:156817055-156818254; plus strand). Cytogenetic location: 5q33.3.
Variant type: single nucleotide variant.
Coding change: c.3542A>G on transcript NM_001037333.3 (MANE Select); coding-DNA position 3542, A replaced by G.
Protein change: p.His1181Arg; replaces histidine 1181 with arginine.
Molecular consequence: missense variant.
Genome position (GRCh38, 1-based): chr5:157,390,616, A>G. VCF-style: chr5-157390616-A-G. GRCh37 (hg19) VCF-style: chr5-156817624-A-G.
Other names: c.3464A>G, p.His1155Arg (NM_001291721.2); c.3617A>G, p.His1206Arg (NM_001291722.2); c.3542A>G, p.His1181Arg (NM_014376.4); short protein forms H1155R, H1206R, H1181R.
Identifiers: ClinVar variation 2078728 (VCV002078728.4), dbSNP rs2532745523, ClinGen allele CA361982958.

ClinVar aggregate classification (germline): Uncertain significance (1 of 4 stars; one submission).

Submission:

Labcorp Genetics (formerly Invitae), Labcorp
Classification: Uncertain significance. Last evaluated: 2022-01-11. Review status: criteria provided, single submitter. Criteria: Invitae Variant Classification Sherloc (09022015). Collection method: clinical testing. Allele origin: germline.
Comment: This variant is not present in population databases (gnomAD no frequency). This sequence change replaces histidine, which is basic and polar, with arginine, which is basic and polar, at codon 1181 of the CYFIP2 protein (p.His1181Arg). This variant has not been reported in the literature in individuals affected with CYFIP2-related conditions. In summary, the available evidence is currently insufficient to determine the role of this variant in disease. Therefore, it has been classified as a Variant of Uncertain Significance. Algorithms developed to predict the effect of missense changes on protein structure and function are either unavailable or do not agree on the potential impact of this missense change (SIFT: "Deleterious"; PolyPhen-2: "Not Available"; Align-GVGD: "Class C25").